The following is an entry in ClinVar:

NM_000548.5(TSC2):c.3610+8G>C

Gene: TSC2 (TSC complex subunit 2; plus strand). Cytogenetic location: 16p13.3.
Variant type: single nucleotide variant.
Coding change: c.3610+8G>C on transcript NM_000548.5 (MANE Select); 8 bases into the intron after coding-DNA position 3610, G replaced by C.
Molecular consequence: intron variant.
Genome position (GRCh38, 1-based): chr16:2,080,385, G>C. VCF-style: chr16-2080385-G-C. GRCh37 (hg19) VCF-style: chr16-2130386-G-C.
Other names: c.3466+8G>C (NM_001406673.1); c.3019+8G>C (NM_001406681.1); c.3499+8G>C (NM_001406670.1); c.3370+8G>C (NM_001318827.2); c.3367+8G>C (NM_001406678.1); c.3010+8G>C (NM_001406682.1, NM_001406680.1, NM_001406683.1); c.3007+8G>C (NM_001406684.1); c.2881+8G>C (NM_001406685.1, NM_001406686.1); and 18 more.
Identifiers: ClinVar variation 4071102 (VCV004071102.1).

ClinVar aggregate classification (germline): Likely benign (1 of 4 stars; one submission).

Conditions:
Tuberous sclerosis 2 (TSC2). Identifiers: Orphanet 805, MedGen C1860707, MONDO:0013199, OMIM 613254.

gnomAD v4.1: 1 of 1,610,848 alleles (0.000062%); highest among the groups gnomAD compares: South Asian, 0.0011%; no homozygotes.

Submission:

Myriad Genetics, Inc.
Classification: Likely benign for Tuberous sclerosis 2. Last evaluated: 2025-05-29. Review status: criteria provided, single submitter. Criteria: Myriad Autosomal Dominant, Autosomal Recessive and X-Linked Classification Criteria (2023). Collection method: clinical testing. Allele origin: unknown.
Comment: This variant is considered likely benign. This variant is intronic and is not expected to impact mRNA splicing.